The following is an entry in ClinVar:

ClinVar aggregate classification (germline): Uncertain significance. Review status: criteria provided, multiple submitters, no conflicts (2 of 4 stars). 2 submissions from 2 submitters: Uncertain significance (2). Last evaluated 2023-07-12.

Conditions:
Developmental and epileptic encephalopathy, 28 (DEE28). Also called: Epileptic encephalopathy, early infantile, 28. Identifiers: Orphanet 442835, MedGen C4015519, MONDO:0014533, OMIM 616211.

gnomAD v4.1: 2 of 1,563,402 alleles (0.00013%); highest among the groups gnomAD compares: Non-Finnish European, 0.00017%; no homozygotes.

Submissions (2):

Blueprint Genetics
Classification: Uncertain significance. Last evaluated: 2023-07-12. Review status: criteria provided, single submitter. Criteria: ACMG Guidelines, 2015. Collection method: clinical testing. Allele origin: germline.

Centre for Mendelian Genomics, University Medical Centre Ljubljana
Classification: Uncertain significance for Developmental and epileptic encephalopathy, 28. Last evaluated: 2019-05-07. Review status: criteria provided, single submitter. Criteria: ACMG Guidelines, 2015. Collection method: clinical testing. Allele origin: unknown. Affected: yes.
Comment: This variant was classified as: Uncertain significance. The available evidence on this variant's pathogenicity is insufficient or conflicting. The following ACMG criteria were applied in classifying this variant: PM2,PP3.

NM_016373.4(WWOX):c.16T>C (p.Tyr6His)

Gene: WWOX (WW domain containing oxidoreductase; plus strand). Cytogenetic location: 16q23.1.
Variant type: single nucleotide variant.
Coding change: c.16T>C on transcript NM_016373.4 (MANE Select); coding-DNA position 16, T replaced by C.
Protein change: p.Tyr6His; replaces tyrosine 6 with histidine.
Molecular consequence: missense variant. On other transcripts: 5 prime UTR variant (1), non-coding transcript variant (2).
Genome position (GRCh38, 1-based): chr16:78,099,794, T>C. VCF-style: chr16-78099794-T-C. GRCh37 (hg19) VCF-style: chr16-78133691-T-C.
Other names: c.-259T>C (NM_001291997.2); c.16T>C, p.Tyr6His (NM_130791.5); short protein forms Y6H.
Identifiers: ClinVar variation 931445 (VCV000931445.4), dbSNP rs1239497096, ClinGen allele CA396841753.